The following is an entry in ClinVar:

ClinVar aggregate classification (germline): Uncertain significance. Review status: criteria provided, multiple submitters, no conflicts (2 of 4 stars). 3 submissions from 3 submitters: Uncertain significance (3). Last evaluated 2024-11-18.

Conditions:
Hereditary nonpolyposis colorectal neoplasms. Identifiers: MedGen C0009405, MeSH D003123.
Hereditary cancer-predisposing syndrome. Also called: Neoplastic Syndromes, Hereditary; Hereditary Cancer Syndrome; Tumor predisposition; Hereditary neoplastic syndrome. Identifiers: Orphanet 140162, MedGen C0027672, MeSH D009386, MONDO:0015356.

Submissions (3):

Labcorp Genetics (formerly Invitae), Labcorp
Classification: Uncertain significance for Hereditary nonpolyposis colorectal neoplasms. Last evaluated: 2024-11-18. Review status: criteria provided, single submitter. Criteria: Invitae Variant Classification Sherloc (09022015). Collection method: clinical testing. Allele origin: germline.
Comment: This sequence change replaces glutamic acid, which is acidic and polar, with glutamine, which is neutral and polar, at codon 180 of the PMS2 protein (p.Glu180Gln). This variant is not present in population databases (gnomAD no frequency). This variant has not been reported in the literature in individuals affected with PMS2-related conditions. ClinVar contains an entry for this variant (Variation ID: 233105). An algorithm developed to predict the effect of missense changes on protein structure and function (PolyPhen-2) suggests that this variant is likely to be disruptive. Algorithms developed to predict the effect of sequence changes on RNA splicing suggest that this variant may disrupt the consensus splice site. In summary, the available evidence is currently insufficient to determine the role of this variant in disease. Therefore, it has been classified as a Variant of Uncertain Significance.

Ambry Genetics
Classification: Uncertain significance for Hereditary cancer-predisposing syndrome. Last evaluated: 2024-08-30. Review status: criteria provided, single submitter. Criteria: Ambry Variant Classification Scheme 2023. Collection method: clinical testing. Allele origin: germline.
Comment: The c.538G>C variant (also known as p.E180Q) is located in coding exon 6 of the PMS2 gene. The glutamic acid at codon 180 is replaced by glutamine, an amino acid with highly similar properties. This change occurs in the first base pair of coding exon 6. This nucleotide position is highly conserved in available vertebrate species. In silico splice site analysis predicts that this alteration will weaken the native splice acceptor site. RNA studies have demonstrated that this alteration results in a splice defect; the clinical impact of this abnormal splicing is unknown at this time (Ambry internal data). Based on the available evidence, the clinical significance of this variant remains unclear.

Blueprint Genetics
Classification: Uncertain significance. Last evaluated: 2023-04-20. Review status: criteria provided, single submitter. Criteria: ACMG Guidelines, 2015. Collection method: clinical testing. Allele origin: germline.

NM_000535.7(PMS2):c.538G>C (p.Glu180Gln)

Gene: PMS2 (PMS1 homolog 2, mismatch repair system component; minus strand). Cytogenetic location: 7p22.1.
Variant type: single nucleotide variant.
Coding change: c.538G>C on transcript NM_000535.7 (MANE Select); coding-DNA position 538, G replaced by C.
Protein change: p.Glu180Gln; replaces glutamic acid 180 with glutamine.
Molecular consequence: missense variant. On other transcripts: non-coding transcript variant (1), intron variant (3).
Genome position (GRCh38, 1-based): chr7:5,999,275, C>G on the plus strand (G>C on the coding strand, the complement: PMS2 is on the minus strand). VCF-style: chr7-5999275-C-G. GRCh37 (hg19) VCF-style: chr7-6038906-C-G.
Other names: c.133G>C, p.Glu45Gln (NM_001322003.2, NM_001322004.2, NM_001322005.2 and 2 more transcripts); c.538G>C, p.Glu180Gln (NM_001322006.2, NM_001322014.2); c.220G>C, p.Glu74Gln (NM_001322007.2, NM_001322008.2); c.229G>C, p.Glu77Gln (NM_001322015.2); c.133-1852G>C (NM_001322013.2); c.-347-49G>C (NM_001322012.2, NM_001322011.2); short protein forms E180Q, E45Q, E77Q, E74Q.
Identifiers: ClinVar variation 233105 (VCV000233105.12), dbSNP rs876660198, ClinGen allele CA10578706.